The following is an entry in ClinVar:

NM_003059.3(SLC22A4):c.1046+5G>A

Genes: SLC22A4 (solute carrier family 22 member 4; plus strand), MIR3936HG (MIR3936 host gene; minus strand). Cytogenetic location: 5q31.1.
Variant type: single nucleotide variant.
Coding change: c.1046+5G>A on transcript NM_003059.3 (MANE Select); 5 bases into the intron after coding-DNA position 1046, G replaced by A.
Molecular consequence: intron variant.
Genome position (GRCh38, 1-based): chr5:132,331,855, G>A. VCF-style: chr5-132331855-G-A. GRCh37 (hg19) VCF-style: chr5-131667548-G-A.
Identifiers: ClinVar variation 1297325 (VCV001297325.11), dbSNP rs2304081, ClinGen allele CA3403571.
Genomic context (GRCh38, chr5:132,331,855, plus strand): 5'-GACCTGTTCAGGACTCGGAATATTGCCATAATGACCATTATGTCTTTGCTGCTATGGTAA[G>A]TAATAAGTGACCTGGAAATGCAGATATCCAGCACATAAGTATGCAACTGATTTTCTTAAC-3'

ClinVar aggregate classification (germline): Benign. Review status: criteria provided, multiple submitters, no conflicts (2 of 4 stars). 3 submissions from 3 submitters: Benign (3). Last evaluated 2026-02-03.

Allele frequency attached by ClinVar (database versions not stated): ESP Exome Variant Server 0.06820; TOPMed 0.07050; gnomAD 0.07065 and 0.07323; gnomAD exomes 0.07745 and 0.07883; ExAC 0.07822; 1000 Genomes Project 30x 0.10790; 1000 Genomes Project 0.11362.
gnomAD v4.1: 120,622 of 1,563,466 alleles (7.7%); highest among the groups gnomAD compares: East Asian, 29%; 5,927 homozygotes.

Submissions (41):

Labcorp Genetics (formerly Invitae), Labcorp
Classification: Benign. Last evaluated: 2026-02-03. Review status: criteria provided, single submitter. Criteria: Invitae Variant Classification Sherloc (09022015). Collection method: clinical testing. Allele origin: germline.

GeneDx
Classification: Benign. Last evaluated: 2021-05-05. Review status: criteria provided, single submitter. Criteria: GeneDx Variant Classification Process June 2021. Collection method: clinical testing. Allele origin: germline. Affected: yes.
Comment: This variant is associated with the following publications: (PMID: 17700366)

Mayo Clinic Laboratories, Mayo Clinic
Classification: Benign. Last evaluated: 2020-09-04. Review status: criteria provided, single submitter. Criteria: ACMG Guidelines, 2015. Collection method: clinical testing. Allele origin: germline. Observed: 24 variant alleles.

Dr. Peter K. Rogan Lab, Western University
No classification provided (evidence only). Condition: Familial cancer of breast. Review status: no classification provided. Collection method: in vitro. Allele origin: not applicable. Functional consequence: retained intron. Not counted in ClinVar's aggregate classification.

Dr. Peter K. Rogan Lab, Western University
No classification provided (evidence only). Condition: Colorectal cancer. Review status: no classification provided. Collection method: in vitro. Allele origin: not applicable. Functional consequence: retained intron. Not counted in ClinVar's aggregate classification.

Dr. Peter K. Rogan Lab, Western University
No classification provided (evidence only). Condition: Colorectal cancer. Review status: no classification provided. Collection method: in vitro. Allele origin: not applicable. Functional consequence: retained intron. Not counted in ClinVar's aggregate classification.

Dr. Peter K. Rogan Lab, Western University
No classification provided (evidence only). Condition: Nonpapillary renal cell carcinoma. Review status: no classification provided. Collection method: in vitro. Allele origin: not applicable. Functional consequence: retained intron. Not counted in ClinVar's aggregate classification.

Dr. Peter K. Rogan Lab, Western University
No classification provided (evidence only). Condition: Nonpapillary renal cell carcinoma. Review status: no classification provided. Collection method: in vitro. Allele origin: not applicable. Functional consequence: retained intron. Not counted in ClinVar's aggregate classification.

Dr. Peter K. Rogan Lab, Western University
No classification provided (evidence only). Condition: Nonpapillary renal cell carcinoma. Review status: no classification provided. Collection method: in vitro. Allele origin: not applicable. Functional consequence: retained intron. Not counted in ClinVar's aggregate classification.

Dr. Peter K. Rogan Lab, Western University
No classification provided (evidence only). Condition: Cholangiocarcinoma. Review status: no classification provided. Collection method: in vitro. Allele origin: not applicable. Functional consequence: retained intron. Not counted in ClinVar's aggregate classification.

Dr. Peter K. Rogan Lab, Western University
No classification provided (evidence only). Condition: Uveal melanoma. Review status: no classification provided. Collection method: in vitro. Allele origin: not applicable. Functional consequence: retained intron. Not counted in ClinVar's aggregate classification.

Dr. Peter K. Rogan Lab, Western University
No classification provided (evidence only). Condition: Chronic lymphocytic leukemia/small lymphocytic lymphoma. Review status: no classification provided. Collection method: in vitro. Allele origin: not applicable. Functional consequence: retained intron. Not counted in ClinVar's aggregate classification.

Dr. Peter K. Rogan Lab, Western University
No classification provided (evidence only). Condition: Chronic lymphocytic leukemia/small lymphocytic lymphoma. Review status: no classification provided. Collection method: in vitro. Allele origin: not applicable. Functional consequence: retained intron. Not counted in ClinVar's aggregate classification.

Dr. Peter K. Rogan Lab, Western University
No classification provided (evidence only). Condition: Nonpapillary renal cell carcinoma. Review status: no classification provided. Collection method: in vitro. Allele origin: not applicable. Functional consequence: retained intron. Not counted in ClinVar's aggregate classification.

Dr. Peter K. Rogan Lab, Western University
No classification provided (evidence only). Condition: Nonpapillary renal cell carcinoma. Review status: no classification provided. Collection method: in vitro. Allele origin: not applicable. Functional consequence: retained intron. Not counted in ClinVar's aggregate classification.

Dr. Peter K. Rogan Lab, Western University
No classification provided (evidence only). Condition: Nonpapillary renal cell carcinoma. Review status: no classification provided. Collection method: in vitro. Allele origin: not applicable. Functional consequence: retained intron. Not counted in ClinVar's aggregate classification.

Dr. Peter K. Rogan Lab, Western University
No classification provided (evidence only). Condition: Nonpapillary renal cell carcinoma. Review status: no classification provided. Collection method: in vitro. Allele origin: not applicable. Functional consequence: retained intron. Not counted in ClinVar's aggregate classification.

Dr. Peter K. Rogan Lab, Western University
No classification provided (evidence only). Condition: Nonpapillary renal cell carcinoma. Review status: no classification provided. Collection method: in vitro. Allele origin: not applicable. Functional consequence: skipped exon, retained intron. Not counted in ClinVar's aggregate classification.

Dr. Peter K. Rogan Lab, Western University
No classification provided (evidence only). Condition: Familial pancreatic carcinoma. Review status: no classification provided. Collection method: in vitro. Allele origin: not applicable. Functional consequence: retained intron. Not counted in ClinVar's aggregate classification.

Dr. Peter K. Rogan Lab, Western University
No classification provided (evidence only). Condition: Familial pancreatic carcinoma. Review status: no classification provided. Collection method: in vitro. Allele origin: not applicable. Functional consequence: retained intron. Not counted in ClinVar's aggregate classification.

Dr. Peter K. Rogan Lab, Western University
No classification provided (evidence only). Condition: Familial pancreatic carcinoma. Review status: no classification provided. Collection method: in vitro. Allele origin: not applicable. Functional consequence: retained intron. Not counted in ClinVar's aggregate classification.

Dr. Peter K. Rogan Lab, Western University
No classification provided (evidence only). Condition: Familial pancreatic carcinoma. Review status: no classification provided. Collection method: in vitro. Allele origin: not applicable. Functional consequence: retained intron. Not counted in ClinVar's aggregate classification.

Dr. Peter K. Rogan Lab, Western University
No classification provided (evidence only). Condition: Familial pancreatic carcinoma. Review status: no classification provided. Collection method: in vitro. Allele origin: not applicable. Functional consequence: retained intron. Not counted in ClinVar's aggregate classification.

Dr. Peter K. Rogan Lab, Western University
No classification provided (evidence only). Condition: Familial pancreatic carcinoma. Review status: no classification provided. Collection method: in vitro. Allele origin: not applicable. Functional consequence: retained intron. Not counted in ClinVar's aggregate classification.

Dr. Peter K. Rogan Lab, Western University
No classification provided (evidence only). Condition: Familial pancreatic carcinoma. Review status: no classification provided. Collection method: in vitro. Allele origin: not applicable. Functional consequence: retained intron. Not counted in ClinVar's aggregate classification.

Dr. Peter K. Rogan Lab, Western University
No classification provided (evidence only). Condition: Familial pancreatic carcinoma. Review status: no classification provided. Collection method: in vitro. Allele origin: not applicable. Functional consequence: retained intron. Not counted in ClinVar's aggregate classification.

Dr. Peter K. Rogan Lab, Western University
No classification provided (evidence only). Condition: Familial pancreatic carcinoma. Review status: no classification provided. Collection method: in vitro. Allele origin: not applicable. Functional consequence: retained intron. Not counted in ClinVar's aggregate classification.

Dr. Peter K. Rogan Lab, Western University
No classification provided (evidence only). Condition: Familial pancreatic carcinoma. Review status: no classification provided. Collection method: in vitro. Allele origin: not applicable. Functional consequence: retained intron. Not counted in ClinVar's aggregate classification.

Dr. Peter K. Rogan Lab, Western University
No classification provided (evidence only). Condition: Familial pancreatic carcinoma. Review status: no classification provided. Collection method: in vitro. Allele origin: not applicable. Functional consequence: retained intron. Not counted in ClinVar's aggregate classification.

Dr. Peter K. Rogan Lab, Western University
No classification provided (evidence only). Condition: Familial pancreatic carcinoma. Review status: no classification provided. Collection method: in vitro. Allele origin: not applicable. Functional consequence: retained intron. Not counted in ClinVar's aggregate classification.

Dr. Peter K. Rogan Lab, Western University
No classification provided (evidence only). Condition: Lymphoma. Review status: no classification provided. Collection method: in vitro. Allele origin: not applicable. Functional consequence: retained intron. Not counted in ClinVar's aggregate classification.

Dr. Peter K. Rogan Lab, Western University
No classification provided (evidence only). Condition: Lymphoma. Review status: no classification provided. Collection method: in vitro. Allele origin: not applicable. Functional consequence: retained intron. Not counted in ClinVar's aggregate classification.

Dr. Peter K. Rogan Lab, Western University
No classification provided (evidence only). Condition: Lymphoma. Review status: no classification provided. Collection method: in vitro. Allele origin: not applicable. Functional consequence: retained intron. Not counted in ClinVar's aggregate classification.

Dr. Peter K. Rogan Lab, Western University
No classification provided (evidence only). Condition: Lymphoma. Review status: no classification provided. Collection method: in vitro. Allele origin: not applicable. Functional consequence: retained intron. Not counted in ClinVar's aggregate classification.

Dr. Peter K. Rogan Lab, Western University
No classification provided (evidence only). Condition: Ovarian cancer. Review status: no classification provided. Collection method: in vitro. Allele origin: not applicable. Functional consequence: retained intron. Not counted in ClinVar's aggregate classification.

Dr. Peter K. Rogan Lab, Western University
No classification provided (evidence only). Condition: Ovarian cancer. Review status: no classification provided. Collection method: in vitro. Allele origin: not applicable. Functional consequence: retained intron. Not counted in ClinVar's aggregate classification.

Dr. Peter K. Rogan Lab, Western University
No classification provided (evidence only). Condition: Ovarian cancer. Review status: no classification provided. Collection method: in vitro. Allele origin: not applicable. Functional consequence: retained intron. Not counted in ClinVar's aggregate classification.

Dr. Peter K. Rogan Lab, Western University
No classification provided (evidence only). Condition: Ovarian cancer. Review status: no classification provided. Collection method: in vitro. Allele origin: not applicable. Functional consequence: retained intron. Not counted in ClinVar's aggregate classification.

Dr. Peter K. Rogan Lab, Western University
No classification provided (evidence only). Condition: Ovarian cancer. Review status: no classification provided. Collection method: in vitro. Allele origin: not applicable. Functional consequence: retained intron. Not counted in ClinVar's aggregate classification.

Dr. Peter K. Rogan Lab, Western University
No classification provided (evidence only). Condition: Ovarian cancer. Review status: no classification provided. Collection method: in vitro. Allele origin: not applicable. Functional consequence: retained intron. Not counted in ClinVar's aggregate classification.

Dr. Peter K. Rogan Lab, Western University
No classification provided (evidence only). Condition: Ovarian cancer. Review status: no classification provided. Collection method: in vitro. Allele origin: not applicable. Functional consequence: skipped exon. Not counted in ClinVar's aggregate classification.